The following is an entry in ClinVar:

NM_006420.3(ARFGEF2):c.3758-291T>C

Gene: ARFGEF2 (ARF guanine nucleotide exchange factor 2; plus strand). Cytogenetic location: 20q13.13.
Variant type: single nucleotide variant.
Coding change: c.3758-291T>C on transcript NM_006420.3 (MANE Select); 291 bases into the intron before coding-DNA position 3758, T replaced by C.
Molecular consequence: intron variant.
Genome position (GRCh38, 1-based): chr20:49,011,633, T>C. VCF-style: chr20-49011633-T-C. GRCh37 (hg19) VCF-style: chr20-47628170-T-C.
Identifiers: ClinVar variation 667991 (VCV000667991.1), dbSNP rs3818224, ClinGen allele CA14759532.

ClinVar aggregate classification (germline): Benign (1 of 4 stars; one submission).

Allele frequency attached by ClinVar (database versions not stated): 1000 Genomes Project 0.35423; 1000 Genomes Project 30x 0.35759; gnomAD 0.37416 and 0.38178; TOPMed 0.37536.
gnomAD v4.1: 56,899 of 152,084 alleles (37%); highest among the groups gnomAD compares: African/African-American, 54%; 11,485 homozygotes.

Submission:

GeneDx
Classification: Benign. Last evaluated: 2018-06-19. Review status: criteria provided, single submitter. Criteria: GeneDx Variant Classification (06012015). Collection method: clinical testing. Allele origin: germline. Affected: yes.
Comment: This variant is considered likely benign or benign based on one or more of the following criteria: it is a conservative change, it occurs at a poorly conserved position in the protein, it is predicted to be benign by multiple in silico algorithms, and/or has population frequency not consistent with disease.